The following is an entry in ClinVar:

NM_001166412.2(SMOC2):c.187C>T (p.Arg63Cys)

Gene: SMOC2 (SPARC related modular calcium binding 2; plus strand). Cytogenetic location: 6q27.
Variant type: single nucleotide variant.
Coding change: c.187C>T on transcript NM_001166412.2 (MANE Select); coding-DNA position 187, C replaced by T.
Protein change: p.Arg63Cys; replaces arginine 63 with cysteine.
Molecular consequence: missense variant.
Genome position (GRCh38, 1-based): chr6:168,510,017, C>T. VCF-style: chr6-168510017-C-T. GRCh37 (hg19) VCF-style: chr6-168910697-C-T.
Other names: c.187C>T, p.Arg63Cys (NM_022138.3); short protein forms R63C.
Identifiers: ClinVar variation 1898882 (VCV001898882.5), dbSNP rs745834330, ClinGen allele CA4102016.

ClinVar aggregate classification (germline): Uncertain significance (1 of 4 stars; one submission).

Allele frequency attached by ClinVar (database versions not stated): ExAC 0.00002; TOPMed 0.00002; gnomAD exomes 0.00003; gnomAD 0.00004.
gnomAD v4.1: 42 of 1,614,086 alleles (0.0026%); highest among the groups gnomAD compares: East Asian, 0.0045%; no homozygotes.

Submission:

Labcorp Genetics (formerly Invitae), Labcorp
Classification: Uncertain significance. Last evaluated: 2022-04-25. Review status: criteria provided, single submitter. Criteria: Invitae Variant Classification Sherloc (09022015). Collection method: clinical testing. Allele origin: germline.
Comment: This variant has not been reported in the literature in individuals affected with SMOC2-related conditions. Algorithms developed to predict the effect of missense changes on protein structure and function are either unavailable or do not agree on the potential impact of this missense change (SIFT: "Deleterious"; PolyPhen-2: "Possibly Damaging"; Align-GVGD: "Class C0"). In summary, the available evidence is currently insufficient to determine the role of this variant in disease. Therefore, it has been classified as a Variant of Uncertain Significance. This sequence change replaces arginine, which is basic and polar, with cysteine, which is neutral and slightly polar, at codon 63 of the SMOC2 protein (p.Arg63Cys). This variant is present in population databases (rs745834330, gnomAD 0.006%).